The following is an entry in ClinVar:

ClinVar aggregate classification (germline): Uncertain significance (1 of 4 stars; one submission).

Conditions:
Autosomal dominant nocturnal frontal lobe epilepsy 5. Also called: CILIARY DYSKINESIA, PRIMARY, 28, WITHOUT SITUS INVERSUS; KCNT1-Related Epilepsy; CILIARY DYSKINESIA, PRIMARY, 28, WITH SITUS INVERSUS; Epilepsy, nocturnal frontal lobe, 5. Identifiers: Orphanet 98784, MedGen C3554306, MONDO:0014002, OMIM 615005.
Developmental and epileptic encephalopathy, 14 (DEE14). Also called: Early infantile epileptic encephalopathy 14. Identifiers: Orphanet 293181, MedGen C3554195, MONDO:0013989, OMIM 614959.

Submission:

Labcorp Genetics (formerly Invitae), Labcorp
Classification: Uncertain significance for Autosomal dominant nocturnal frontal lobe epilepsy 5; Developmental and epileptic encephalopathy, 14. Last evaluated: 2020-03-28. Review status: criteria provided, single submitter. Criteria: Invitae Variant Classification Sherloc (09022015). Collection method: clinical testing. Allele origin: germline.
Comment: This variant is not present in population databases (ExAC no frequency). In summary, the available evidence is currently insufficient to determine the role of this variant in disease. Therefore, it has been classified as a Variant of Uncertain Significance. Algorithms developed to predict the effect of missense changes on protein structure and function are either unavailable or do not agree on the potential impact of this missense change (SIFT: "Tolerated"; PolyPhen-2: "Possibly Damaging"; Align-GVGD: "Class C0"). This variant has been observed in one or more individuals who were not affected with KCNT1-related conditions. (Invitae). This sequence change replaces phenylalanine with leucine at codon 817 of the KCNT1 protein (p.Phe817Leu). The phenylalanine residue is highly conserved and there is a small physicochemical difference between phenylalanine and leucine.

NM_020822.3(KCNT1):c.2449T>C (p.Phe817Leu)

Gene: KCNT1 (potassium sodium-activated channel subfamily T member 1; plus strand). Cytogenetic location: 9q34.3.
Variant type: single nucleotide variant.
Coding change: c.2449T>C on transcript NM_020822.3 (MANE Select); coding-DNA position 2449, T replaced by C.
Protein change: p.Phe817Leu; replaces phenylalanine 817 with leucine.
Molecular consequence: missense variant.
Genome position (GRCh38, 1-based): chr9:135,777,437, T>C. VCF-style: chr9-135777437-T-C. GRCh37 (hg19) VCF-style: chr9-138669283-T-C.
Other names: c.2314T>C, p.Phe772Leu (NM_001272003.2); short protein forms F772L, F817L.
Identifiers: ClinVar variation 835737 (VCV000835737.10), dbSNP rs1833245627, ClinGen allele CA375513411.